The following is an entry in ClinVar:

ClinVar aggregate classification (germline): Conflicting classifications of pathogenicity. Review status: criteria provided, conflicting classifications (1 of 4 stars). 2 submissions from 2 submitters: Uncertain significance (1); Likely benign (1). Last evaluated 2021-12-02.

Submissions (2):

Labcorp Genetics (formerly Invitae), Labcorp
Classification: Uncertain significance. Last evaluated: 2021-12-02. Review status: criteria provided, single submitter. Criteria: Invitae Variant Classification Sherloc (09022015). Collection method: clinical testing. Allele origin: germline.
Comment: This variant has not been reported in the literature in individuals affected with LMNB1-related conditions. ClinVar contains an entry for this variant (Variation ID: 669047). Variants that disrupt the consensus splice site are a relatively common cause of aberrant splicing (PMID: 17576681, 9536098). Algorithms developed to predict the effect of sequence changes on RNA splicing suggest that this variant is not likely to affect RNA splicing. In summary, the available evidence is currently insufficient to determine the role of this variant in disease. Therefore, it has been classified as a Variant of Uncertain Significance. This sequence change falls in intron 1 of the LMNB1 gene. It does not directly change the encoded amino acid sequence of the LMNB1 protein. It affects a nucleotide within the consensus splice site. This variant is not present in population databases (gnomAD no frequency).

GeneDx
Classification: Likely benign. Last evaluated: 2018-06-08. Review status: criteria provided, single submitter. Criteria: GeneDx Variant Classification (06012015). Collection method: clinical testing. Allele origin: germline. Affected: yes.
Comment: This variant is considered likely benign or benign based on one or more of the following criteria: it is a conservative change, it occurs at a poorly conserved position in the protein, it is predicted to be benign by multiple in silico algorithms, and/or has population frequency not consistent with disease.

Literature cited by the submitters: PubMed 17576681 (cited by Labcorp Genetics (formerly Invitae), Labcorp); PubMed 9536098 (cited by Labcorp Genetics (formerly Invitae), Labcorp).

NM_005573.4(LMNB1):c.359+3G>A

Genes: LMNB1 (lamin B1; plus strand), LOC129994507 (ATAC-STARR-seq lymphoblastoid silent region 16287; plus strand). Cytogenetic location: 5q23.2.
Variant type: single nucleotide variant.
Coding change: c.359+3G>A on transcript NM_005573.4 (MANE Select); 3 bases into the intron after coding-DNA position 359, G replaced by A.
Molecular consequence: intron variant.
Genome position (GRCh38, 1-based): chr5:126,777,870, G>A. VCF-style: chr5-126777870-G-A. GRCh37 (hg19) VCF-style: chr5-126113562-G-A.
Other names: c.-272+626G>A (NM_001198557.2).
Identifiers: ClinVar variation 669047 (VCV000669047.7), dbSNP rs1187296225, ClinGen allele CA915943512.